The following is an entry in ClinVar:

NM_152911.4(PAOX):c.282G>A (p.Glu94=)

Gene: PAOX (polyamine oxidase; plus strand). Cytogenetic location: 10q26.3.
Variant type: single nucleotide variant.
Coding change: c.282G>A on transcript NM_152911.4 (MANE Select); coding-DNA position 282, G replaced by A.
Protein change: p.Glu94=; no amino-acid change (glutamic acid 94 retained).
Molecular consequence: synonymous variant. On other transcripts: non-coding transcript variant (1).
Genome position (GRCh38, 1-based): chr10:133,380,099, G>A. VCF-style: chr10-133380099-G-A. GRCh37 (hg19) VCF-style: chr10-135193603-G-A.
Other names: c.282G>A, p.Glu94= (NM_207127.3, NM_207128.3).
Identifiers: ClinVar variation 2641030 (VCV002641030.24), dbSNP rs563058344, ClinGen allele CA5765966.

ClinVar aggregate classification (germline): Likely benign (1 of 4 stars; one submission).

Allele frequency attached by ClinVar (database versions not stated): 1000 Genomes Project 30x 0.00016; 1000 Genomes Project 0.00020.

Submission:

CeGaT Center for Human Genetics Tuebingen
Classification: Likely benign. Last evaluated: 2022-07-01. Review status: criteria provided, single submitter. Criteria: CeGaT Center For Human Genetics Tuebingen Variant Classification Criteria Version 2. Collection method: clinical testing. Allele origin: germline. Affected: yes. Observed: 1 variant allele.
Comment: PAOX: BP4, BP7